The following is an entry in ClinVar:

ClinVar aggregate classification (germline): Pathogenic (1 of 4 stars; one submission).

Conditions:
DICER1-related tumor predisposition. Also called: DICER1 syndrome; DICER1-related pleuropulmonary blastoma cancer predisposition syndrome. Identifiers: Orphanet 284343, MedGen C3839822, MONDO:0100216.

Submission:

Labcorp Genetics (formerly Invitae), Labcorp
Classification: Pathogenic for DICER1-related tumor predisposition. Last evaluated: 2025-05-13. Review status: criteria provided, single submitter. Criteria: Invitae Variant Classification Sherloc (09022015). Collection method: clinical testing. Allele origin: germline.
Comment: This sequence change creates a premature translational stop signal (p.Leu983Serfs*18) in the DICER1 gene. It is expected to result in an absent or disrupted protein product. Loss-of-function variants in DICER1 are known to be pathogenic (PMID: 19556464, 21266384). This variant is not present in population databases (gnomAD no frequency). This variant has not been reported in the literature in individuals affected with DICER1-related conditions. For these reasons, this variant has been classified as Pathogenic.

Literature cited by the submitters: PubMed 19556464; PubMed 21266384.

NM_177438.3(DICER1):c.2946del (p.Leu983fs)

Gene: DICER1 (dicer 1, ribonuclease III; minus strand). Cytogenetic location: 14q32.13.
Variant type: Deletion.
Coding change: c.2946del on transcript NM_177438.3 (MANE Select); coding-DNA position 2946, one base deleted (T; older notation c.2946delT).
Protein change: p.Leu983fs; shifts the reading frame from leucine 983.
Molecular consequence: frameshift variant. On other transcripts: non-coding transcript variant (6).
Genome position (GRCh38, 1-based): chr14:95,106,082, A deleted on the plus strand (T on the coding strand, the reverse complement: DICER1 is on the minus strand). VCF-style (leftmost placement, unchanged base first): chr14-95106081-GA-G. GRCh37 (hg19) VCF-style: chr14-95572418-GA-G.
Other names: c.2946del, p.Leu983fs (NM_001395692.1, NM_001395693.1, NM_001395694.1 and 12 more transcripts); c.2541del, p.Leu848fs (NM_001395696.1, NM_001395687.1, NM_001395688.1 and 2 more transcripts); c.1263del, p.Leu422fs (NM_001395697.1); c.2379del, p.Leu794fs (NM_001395691.1); c.2664del, p.Leu889fs (NM_001395686.1); short protein forms L848fs, L794fs, L983fs, L422fs, L889fs.
Identifiers: ClinVar variation 4718648 (VCV004718648.1).